The following is an entry in ClinVar:

NM_005359.6(SMAD4):c.1517T>A (p.Val506Glu)

Gene: SMAD4 (SMAD family member 4; plus strand). Cytogenetic location: 18q21.2.
Variant type: single nucleotide variant.
Coding change: c.1517T>A on transcript NM_005359.6 (MANE Select); coding-DNA position 1517, T replaced by A.
Protein change: p.Val506Glu; replaces valine 506 with glutamic acid.
Molecular consequence: missense variant. On other transcripts: non-coding transcript variant (1).
Genome position (GRCh38, 1-based): chr18:51,078,325, T>A. VCF-style: chr18-51078325-T-A. GRCh37 (hg19) VCF-style: chr18-48604695-T-A.
Other names: c.1517T>A, p.Val506Glu (NM_001407041.1, NM_001407042.1); short protein forms V506E.
Identifiers: ClinVar variation 3798814 (VCV003798814.1).
Genomic context (GRCh38, chr18:51,078,325, plus strand): 5'-CTGCTGCTGGAATTGGTGTTGATGACCTTCGTCGCTTATGCATACTCAGGATGAGTTTTG[T>A]GAAAGGCTGGGGACCGGATTACCCAAGACAGAGCATCAAAGAAACACCTTGCTGGATTGA-3'
Protein context (NP_005350.1, residues 496-516): RRLCILRMSF[Val506Glu]KGWGPDYPRQ

ClinVar aggregate classification (germline): Uncertain significance (1 of 4 stars; one submission).

Conditions:
Familial thoracic aortic aneurysm and aortic dissection (TAAD). Also called: Thoracic aortic aneurysms and dissections. Identifiers: Orphanet 91387, MedGen C4707243, MONDO:0019625.
Hereditary cancer-predisposing syndrome. Also called: Neoplastic Syndromes, Hereditary; Hereditary Cancer Syndrome; Tumor predisposition; Hereditary neoplastic syndrome. Identifiers: Orphanet 140162, MedGen C0027672, MeSH D009386, MONDO:0015356.

Submission:

Ambry Genetics
Classification: Uncertain significance for Hereditary cancer-predisposing syndrome; Familial thoracic aortic aneurysm and aortic dissection. Last evaluated: 2025-02-04. Review status: criteria provided, single submitter. Criteria: Ambry Variant Classification Scheme 2023. Collection method: clinical testing. Allele origin: germline.
Comment: The p.V506E variant (also known as c.1517T>A), located in coding exon 11 of the SMAD4 gene, results from a T to A substitution at nucleotide position 1517. The valine at codon 506 is replaced by glutamic acid, an amino acid with dissimilar properties. This amino acid position is conserved. In addition, this alteration is predicted to be deleterious by in silico analysis. Based on the available evidence, the clinical significance of this variant remains unclear.